The following is an entry in ClinVar:

ClinVar aggregate classification (germline): Conflicting classifications of pathogenicity. Review status: criteria provided, conflicting classifications (1 of 4 stars). 2 submissions from 2 submitters: Uncertain significance (1); Likely benign (1). Last evaluated 2025-07-28.

Conditions:
Cardiomyopathy (CMYO). Also called: Cardiomyopathies. Identifiers: Orphanet 167848, MedGen C0878544, MONDO:0004994, HP:0001638. Inheritance: Various modes of inheritance.
Arrhythmogenic right ventricular dysplasia 8 (ARVD8). Also called: Arrhythmogenic Right Ventricular Dysplasia/Cardiomyopathy 8; ARRHYTHMOGENIC RIGHT VENTRICULAR DYSPLASIA, FAMILIAL, 8; ARRHYTHMOGENIC RIGHT VENTRICULAR CARDIOMYOPATHY 8. Identifiers: MedGen C1843896, MONDO:0011831, OMIM 607450.
Arrhythmogenic cardiomyopathy with wooly hair and keratoderma. Also called: Carvajal syndrome; Arrhythmogenic cardiomyopathy with woolly hair and keratoderma; PALMOPLANTAR KERATODERMA WITH LEFT VENTRICULAR CARDIOMYOPATHY AND WOOLLY HAIR; Dilated cardiomyopathy with woolly hair and keratoderma. Identifiers: Orphanet 65282, MedGen C1854063, MONDO:0011581, OMIM 605676.

Allele frequency attached by ClinVar (database versions not stated): gnomAD exomes below 0.00001; ExAC 0.00001.
gnomAD v4.1: 3 of 1,614,248 alleles (0.00019%); highest among the groups gnomAD compares: Admixed American, 0.005%; no homozygotes.

Submissions (2):

Color Diagnostics, LLC DBA Color Health
Classification: Uncertain significance for Cardiomyopathy. Last evaluated: 2025-07-28. Review status: criteria provided, single submitter. Criteria: ACMG Guidelines, 2015. Collection method: clinical testing. Allele origin: germline.
Comment: This missense variant replaces lysine with glutamine at codon 2393 of the DSP protein. Computational prediction suggests that this variant may not impact protein structure and function. To our knowledge, functional studies have not been reported for this variant. This variant has not been reported in individuals affected with DSP-related disorders in the literature. This variant has been identified in 3/251456 chromosomes in the general population by the Genome Aggregation Database (gnomAD). The available evidence is insufficient to determine the role of this variant in disease conclusively. Therefore, this variant is classified as a Variant of Uncertain Significance.

Labcorp Genetics (formerly Invitae), Labcorp
Classification: Likely benign for Arrhythmogenic cardiomyopathy with wooly hair and keratoderma; Arrhythmogenic right ventricular dysplasia 8. Last evaluated: 2022-02-07. Review status: criteria provided, single submitter. Criteria: Invitae Variant Classification Sherloc (09022015). Collection method: clinical testing. Allele origin: germline.

NM_004415.4(DSP):c.7177A>C (p.Lys2393Gln)

Gene: DSP (desmoplakin; plus strand). Cytogenetic location: 6p24.3.
Variant type: single nucleotide variant.
Coding change: c.7177A>C on transcript NM_004415.4 (MANE Select); coding-DNA position 7177, A replaced by C.
Protein change: p.Lys2393Gln; replaces lysine 2393 with glutamine.
Molecular consequence: missense variant.
Genome position (GRCh38, 1-based): chr6:7,584,439, A>C. VCF-style: chr6-7584439-A-C. GRCh37 (hg19) VCF-style: chr6-7584672-A-C.
Other names: c.5380A>C, p.Lys1794Gln (NM_001008844.3); c.5848A>C, p.Lys1950Gln (NM_001319034.2); short protein forms K1794Q, K1950Q, K2393Q.
Identifiers: ClinVar variation 2152778 (VCV002152778.5), dbSNP rs770024099, ClinGen allele CA049257.